The following is an entry in ClinVar:

NM_000368.5(TSC1):c.831del (p.Ser278fs)

Gene: TSC1 (TSC complex subunit 1; minus strand). Cytogenetic location: 9q34.13.
Variant type: Deletion.
Coding change: c.831del on transcript NM_000368.5 (MANE Select); coding-DNA position 831, one base deleted (G; older notation c.831delG).
Protein change: p.Ser278fs; shifts the reading frame from serine 278.
Molecular consequence: frameshift variant.
Genome position (GRCh38, 1-based): chr9:132,912,364, C deleted on the plus strand (G on the coding strand, the reverse complement: TSC1 is on the minus strand). VCF-style (leftmost placement, unchanged base first): chr9-132912363-AC-A. GRCh37 (hg19) VCF-style: chr9-135787750-AC-A.
Other names: c.831del, p.Ser278fs (NM_001162426.2); c.678del, p.Ser227fs (NM_001162427.2); c.468del, p.Ser157fs (NM_001362177.2); short protein forms S278fs, S227fs, S157fs.
Identifiers: ClinVar variation 944146 (VCV000944146.7), dbSNP rs1846011821, ClinGen allele CA1139661296.

ClinVar aggregate classification (germline): Pathogenic (1 of 4 stars; one submission).

Conditions:
Tuberous sclerosis 1 (TSC1). Identifiers: Orphanet 805, MedGen C1854465, MONDO:0008612, OMIM 191100.

Submission:

Labcorp Genetics (formerly Invitae), Labcorp
Classification: Pathogenic for Tuberous sclerosis 1. Last evaluated: 2020-11-21. Review status: criteria provided, single submitter. Criteria: Invitae Variant Classification Sherloc (09022015). Collection method: clinical testing. Allele origin: germline.
Comment: Loss-of-function variants in TSC1 are known to be pathogenic (PMID: 10227394, 17304050). For these reasons, this variant has been classified as Pathogenic. This variant has not been reported in the literature in individuals with TSC1-related conditions. This variant is not present in population databases (ExAC no frequency). This sequence change creates a premature translational stop signal (p.Ser278Leufs*40) in the TSC1 gene. It is expected to result in an absent or disrupted protein product.

Literature cited by the submitters: PubMed 10227394; PubMed 17304050.